The following is an entry in ClinVar:

NM_000533.5(PLP1):c.192-2A>G

Genes: PLP1 (proteolipid protein 1; plus strand), RAB9B (RAB9B, member RAS oncogene family; minus strand). Cytogenetic location: Xq22.2.
Variant type: single nucleotide variant.
Coding change: c.192-2A>G on transcript NM_000533.5 (MANE Select); the canonical splice acceptor site of the intron before coding-DNA position 192, A replaced by G.
Molecular consequence: splice acceptor variant.
Genome position (GRCh38, 1-based): chrX:103,786,463, A>G. VCF-style: chrX-103786463-A-G. GRCh37 (hg19) VCF-style: chrX-103041392-A-G.
Other names: c.192-2A>G (NM_001128834.3, NM_199478.3); c.27-2A>G (NM_001305004.1).
Identifiers: ClinVar variation 3255407 (VCV003255407.2), dbSNP rs113951193.

ClinVar aggregate classification (germline): Likely pathogenic (1 of 4 stars; one submission).

Conditions:
Pelizaeus-Merzbacher disease. Also called: LEUKODYSTROPHY, HYPOMYELINATING, 1; Sudanophilic leukodystrophy; Pelizaeus-Merzbacher spectrum disorder; Pelizaeus-Merzbacher Disease (PMD); Pelizeaus-Merzbacher spectrum disorder. Identifiers: Orphanet 702, MedGen C0205711, MONDO:0010714, OMIM 312080, HP:0003269.

Submission:

Molecular Diagnostics Lab, Nemours Children's Health, Delaware
Classification: Likely pathogenic for Pelizaeus-Merzbacher disease. Last evaluated: 2021-02-25. Review status: criteria provided, single submitter. Criteria: ACMG Guidelines, 2015. Collection method: clinical testing. Allele origin: unknown. Inheritance: X-linked inheritance. Affected: yes. Observed: 1 hemizygote.
Comment: This intronic variant (c.192-2A>G) has not been observed in population databases (gnomAD). This change has not been previously described, although a different substitution at this site has been predicted to affect splicing of the PLP1 mRNA (PMID 24685771). This variant has been described in three affected members within a single family (PMID 11093273).

Literature cited by the submitters: PubMed 24685771; PubMed 11093273.